The following is an entry in ClinVar:

NM_014014.5(SNRNP200):c.4638_4639del (p.Tyr1547fs)

Gene: SNRNP200 (small nuclear ribonucleoprotein U5 subunit 200; minus strand). Cytogenetic location: 2q11.2.
Variant type: Microsatellite.
Coding change: c.4638_4639del on transcript NM_014014.5 (MANE Select); coding-DNA positions 4638 to 4639, 2 bases deleted (GT; older notation c.4638_4639delGT).
Protein change: p.Tyr1547fs; shifts the reading frame from tyrosine 1547.
Molecular consequence: frameshift variant.
Genome position (GRCh38, 1-based): chr2:96,283,659-96,283,660, AC deleted on the plus strand (GT on the coding strand, the reverse complement: SNRNP200 is on the minus strand); deleting any 2 consecutive bases within chr2:96,283,659-96,283,663 gives the same sequence; the c. name uses the placement nearest the transcript's 3' end. VCF-style (leftmost placement, unchanged base first): chr2-96283658-TAC-T. GRCh37 (hg19) VCF-style: chr2-96949396-TAC-T.
Other names: short protein forms Y1547fs.
Identifiers: ClinVar variation 1309216 (VCV001309216.2), dbSNP rs2104339804, ClinGen allele CA2580611680.

ClinVar aggregate classification (germline): Uncertain significance (1 of 4 stars; one submission).

Submission:

GeneDx
Classification: Uncertain significance. Last evaluated: 2021-01-06. Review status: criteria provided, single submitter. Criteria: GeneDx Variant Classification Process June 2021. Collection method: clinical testing. Allele origin: germline. Affected: yes.
Comment: Not observed in large population cohorts (Lek et al., 2016); Frameshift variant predicted to result in protein truncation or nonsense mediated decay in a gene for which loss-of-function is not a known mechanism of disease; Has not been previously published as pathogenic or benign to our knowledge